The following is an entry in ClinVar:

NM_172351.3(CD46):c.412del (p.Ile138fs)

Gene: CD46 (CD46 molecule; plus strand). Cytogenetic location: 1q32.2.
Variant type: Deletion.
Coding change: c.412del on transcript NM_172351.3 (MANE Select); coding-DNA position 412, one base deleted (A; older notation c.412delA).
Protein change: p.Ile138fs; shifts the reading frame from isoleucine 138.
Molecular consequence: frameshift variant.
Genome position (GRCh38, 1-based): chr1:207,759,661, A deleted; the last of 3 consecutive A bases (chr1:207,759,659-207,759,661); deleting any one gives the same sequence. VCF-style (leftmost placement, unchanged base first): chr1-207759658-GA-G. GRCh37 (hg19) VCF-style: chr1-207933003-GA-G.
Other names: c.412del, p.Ile138fs (NM_172356.3, NM_172357.3, NM_172358.3 and 8 more transcripts); c.412delA (NM_002389.4); short protein forms I138fs.
Identifiers: ClinVar variation 1162901 (VCV001162901.5), dbSNP rs1655966037, ClinGen allele CA2483519942.
Genomic context (GRCh38, chr1:207,759,658, plus strand): 5'-AATTGCTATACAAAACAGTAACCCTTTCTTTTCTCATTTAGTTATTACTTAATTGGTGAA[GA>G]AATTCTATATTGTGAACTTAAAGGATCAGTAGCAATTTGGAGCGGTAAGCCCCCAATATG-3'

ClinVar aggregate classification (germline): Pathogenic (1 of 4 stars; one submission).

Submission:

Mayo Clinic Laboratories, Mayo Clinic
Classification: Pathogenic. Last evaluated: 2020-04-01. Review status: criteria provided, single submitter. Criteria: ACMG Guidelines, 2015. Collection method: clinical testing. Allele origin: germline. Observed: 1 variant allele.
Comment: PVS1, PM2